The following is an entry in ClinVar:

NM_001999.4(FBN2):c.6170T>C (p.Ile2057Thr)

Gene: FBN2 (fibrillin 2; minus strand). Cytogenetic location: 5q23.3.
Variant type: single nucleotide variant.
Coding change: c.6170T>C on transcript NM_001999.4 (MANE Select); coding-DNA position 6170, T replaced by C.
Protein change: p.Ile2057Thr; replaces isoleucine 2057 with threonine.
Molecular consequence: missense variant.
Genome position (GRCh38, 1-based): chr5:128,291,651, A>G on the plus strand (T>C on the coding strand, the complement: FBN2 is on the minus strand). VCF-style: chr5-128291651-A-G. GRCh37 (hg19) VCF-style: chr5-127627343-A-G.
Other names: short protein forms I2057T.
Identifiers: ClinVar variation 4255477 (VCV004255477.1).

ClinVar aggregate classification (germline): Uncertain significance (1 of 4 stars; one submission).

Conditions:
Familial thoracic aortic aneurysm and aortic dissection (TAAD). Also called: Thoracic aortic aneurysms and dissections. Identifiers: Orphanet 91387, MedGen C4707243, MONDO:0019625.

gnomAD v4.1: 3 of 1,613,480 alleles (0.00019%); highest among the groups gnomAD compares: South Asian, 0.0022%; no homozygotes.

Submission:

Ambry Genetics
Classification: Uncertain significance for Familial thoracic aortic aneurysm and aortic dissection. Last evaluated: 2025-07-14. Review status: criteria provided, single submitter. Criteria: Ambry Variant Classification Scheme 2023. Collection method: clinical testing. Allele origin: germline.
Comment: The p.I2057T variant (also known as c.6170T>C), located in coding exon 49 of the FBN2 gene, results from a T to C substitution at nucleotide position 6170. The isoleucine at codon 2057 is replaced by threonine, an amino acid with similar properties. This amino acid position is highly conserved in available vertebrate species. In addition, this alteration is predicted to be deleterious by in silico analysis. Based on the available evidence, the clinical significance of this variant remains unclear.